The following is an entry in ClinVar:

ClinVar aggregate classification (germline): Pathogenic/Likely pathogenic. Review status: criteria provided, multiple submitters, no conflicts (2 of 4 stars). 3 submissions from 3 submitters: Pathogenic (1); Likely pathogenic (2). Last evaluated 2025-12-23.

Conditions:
TRPM1-related disorder. Also called: TRPM1-related condition.
Congenital stationary night blindness 1C. Also called: Night blindness, congenital stationary (complete), 1C, autosomal recessive. Identifiers: Orphanet 215, MedGen C2750747, MONDO:0013183, OMIM 613216.

Allele frequency attached by ClinVar (database versions not stated): gnomAD exomes 0.00003 and 0.00007; gnomAD 0.00004 and 0.00005; ExAC 0.00006; TOPMed 0.00008; 1000 Genomes Project 30x 0.00062.
gnomAD v4.1: 52 of 1,614,182 alleles (0.0032%); highest among the groups gnomAD compares: East Asian, 0.022%; no homozygotes.

Submissions (3):

Labcorp Genetics (formerly Invitae), Labcorp
Classification: Pathogenic. Last evaluated: 2025-12-23. Review status: criteria provided, single submitter. Criteria: Invitae Variant Classification Sherloc (09022015). Collection method: clinical testing. Allele origin: germline.
Comment: This sequence change replaces alanine, which is neutral and non-polar, with valine, which is neutral and non-polar, at codon 826 of the TRPM1 protein (p.Ala826Val). This variant is present in population databases (rs180869804, gnomAD 0.04%). This missense change has been observed in individual(s) with congenital stationary night blindness (PMID: 27803854). In at least one individual the data is consistent with being in trans (on the opposite chromosome) from a pathogenic variant. It has also been observed to segregate with disease in related individuals. This variant is also known as p.Ala865Val. ClinVar contains an entry for this variant (Variation ID: 1072860). Invitae Evidence Modeling of protein sequence and biophysical properties (such as structural, functional, and spatial information, amino acid conservation, physicochemical variation, residue mobility, and thermodynamic stability) has been performed for this missense variant. However, the output from this modeling did not meet the statistical confidence thresholds required to predict the impact of this variant on TRPM1 protein function. For these reasons, this variant has been classified as Pathogenic.

Blueprint Genetics
Classification: Likely pathogenic for TRPM1-related disorders. Last evaluated: 2024-10-08. Review status: criteria provided, single submitter. Criteria: ACMG Guidelines, 2015. Collection method: clinical testing. Allele origin: germline. Affected: yes. Observed: 5 variant alleles.

Fulgent Genetics
Classification: Likely pathogenic for Congenital stationary night blindness 1C. Last evaluated: 2022-04-02. Review status: criteria provided, single submitter. Criteria: ACMG Guidelines, 2015. Collection method: clinical testing. Allele origin: unknown.

Literature cited by the submitters: PubMed 27803854 (cited by Labcorp Genetics (formerly Invitae), Labcorp).

NM_001252024.2(TRPM1):c.2543C>T (p.Ala848Val)

Gene: TRPM1 (transient receptor potential cation channel subfamily M member 1; minus strand). Cytogenetic location: 15q13.3.
Variant type: single nucleotide variant.
Coding change: c.2543C>T on transcript NM_001252024.2 (MANE Select); coding-DNA position 2543, C replaced by T.
Protein change: p.Ala848Val; replaces alanine 848 with valine.
Molecular consequence: missense variant.
Genome position (GRCh38, 1-based): chr15:31,037,739, G>A on the plus strand (C>T on the coding strand, the complement: TRPM1 is on the minus strand). VCF-style: chr15-31037739-G-A. GRCh37 (hg19) VCF-style: chr15-31329942-G-A.
Other names: c.2594C>T, p.Ala865Val (NM_001252020.2); c.2477C>T, p.Ala826Val (NM_002420.6); short protein forms A826V, A848V, A865V.
Identifiers: ClinVar variation 1072860 (VCV001072860.9), dbSNP rs180869804, ClinGen allele CA7452166.